The following is an entry in ClinVar:

NM_001277115.2(DNAH11):c.13113G>C (p.Pro4371=)

Gene: DNAH11 (dynein axonemal heavy chain 11; plus strand). Cytogenetic location: 7p15.3.
Variant type: single nucleotide variant.
Coding change: c.13113G>C on transcript NM_001277115.2 (MANE Select); coding-DNA position 13113, G replaced by C.
Protein change: p.Pro4371=; no amino-acid change (proline 4371 retained).
Molecular consequence: synonymous variant.
Genome position (GRCh38, 1-based): chr7:21,899,399, G>C. VCF-style: chr7-21899399-G-C. GRCh37 (hg19) VCF-style: chr7-21939017-G-C.
Identifiers: ClinVar variation 525490 (VCV000525490.40), dbSNP rs148707462, ClinGen allele CA4183300.

ClinVar aggregate classification (germline): Likely benign. Review status: criteria provided, multiple submitters, no conflicts (2 of 4 stars). 6 submissions from 6 submitters: Likely benign (5). 1 of the submissions does not count toward it. Last evaluated 2026-01-21.

Conditions:
DNAH11-related disorder. Also called: DNAH11-related condition.
Primary ciliary dyskinesia 7. Also called: CILIARY DYSKINESIA, PRIMARY, 7, WITH OR WITHOUT SITUS INVERSUS. Identifiers: Orphanet 244, MedGen C2678473, MONDO:0012748, OMIM 611884.
Primary ciliary dyskinesia. Also called: Ciliary dyskinesia. Identifiers: Orphanet 244, MedGen C0008780, MONDO:0016575, HP:0012265.

Allele frequency attached by ClinVar (database versions not stated): 1000 Genomes Project 30x 0.00016; TOPMed 0.00021.
gnomAD v4.1: 304 of 1,613,890 alleles (0.019%); highest among the groups gnomAD compares: Middle Eastern, 0.033%; no homozygotes.

Submissions (6):

Labcorp Genetics (formerly Invitae), Labcorp
Classification: Likely benign for Primary ciliary dyskinesia. Last evaluated: 2026-01-21. Review status: criteria provided, single submitter. Criteria: Invitae Variant Classification Sherloc (09022015). Collection method: clinical testing. Allele origin: germline.

Blueprint Genetics
Classification: Likely benign. Last evaluated: 2024-08-28. Review status: criteria provided, single submitter. Criteria: ACMG Guidelines, 2015. Collection method: clinical testing. Allele origin: germline.

CeGaT Center for Human Genetics Tuebingen
Classification: Likely benign. Last evaluated: 2022-12-01. Review status: criteria provided, single submitter. Criteria: CeGaT Center For Human Genetics Tuebingen Variant Classification Criteria Version 2. Collection method: clinical testing. Allele origin: germline. Affected: yes. Observed: 1 variant allele.
Comment: DNAH11: BP4, BP7

Ambry Genetics
Classification: Likely benign for Primary ciliary dyskinesia. Last evaluated: 2022-09-05. Review status: criteria provided, single submitter. Criteria: Ambry Variant Classification Scheme 2023. Collection method: clinical testing. Allele origin: germline.

Fulgent Genetics
Classification: Likely benign for Primary ciliary dyskinesia 7. Last evaluated: 2021-10-07. Review status: criteria provided, single submitter. Criteria: ACMG Guidelines, 2015. Collection method: clinical testing. Allele origin: unknown.

PreventionGenetics, part of Exact Sciences
Classification: Likely benign for DNAH11-related condition. Last evaluated: 2019-05-21. Review status: no assertion criteria provided. Collection method: clinical testing. Allele origin: germline. Not counted in ClinVar's aggregate classification.
Comment: This variant is classified as likely benign based on ACMG/AMP sequence variant interpretation guidelines (Richards et al. 2015 PMID: 25741868, with internal and published modifications).